The following is an entry in ClinVar:

NM_004656.4(BAP1):c.300C>G (p.Leu100=)

Gene: BAP1 (BRCA1 associated deubiquitinase 1; minus strand). Cytogenetic location: 3p21.1.
Variant type: single nucleotide variant.
Coding change: c.300C>G on transcript NM_004656.4 (MANE Select); coding-DNA position 300, C replaced by G.
Protein change: p.Leu100=; no amino-acid change (leucine 100 retained).
Molecular consequence: synonymous variant.
Genome position (GRCh38, 1-based): chr3:52,408,033, G>C on the plus strand (C>G on the coding strand, the complement: BAP1 is on the minus strand). VCF-style: chr3-52408033-G-C. GRCh37 (hg19) VCF-style: chr3-52442049-G-C.
Other names: c.300C>G, p.Leu100= (NM_001410772.1).
Identifiers: ClinVar variation 3379032 (VCV003379032.3).

ClinVar aggregate classification (germline): Benign/Likely benign. Review status: criteria provided, multiple submitters, no conflicts (2 of 4 stars). 3 submissions from 3 submitters: Benign (1); Likely benign (2). Last evaluated 2025-10-03.

Conditions:
BAP1-related tumor predisposition syndrome (TPDS1). Also called: Tumor susceptibility linked to germline BAP1 mutations; COMMON Syndrome; BAP1 tumor predisposition syndrome; TUMOR PREDISPOSITION SYNDROME 1. Identifiers: Orphanet 289539, MedGen C3280492, MONDO:0013692, OMIM 614327.
Hereditary cancer-predisposing syndrome. Also called: Neoplastic Syndromes, Hereditary; Tumor predisposition; Hereditary Cancer Syndrome; Hereditary neoplastic syndrome. Identifiers: Orphanet 140162, MedGen C0027672, MeSH D009386, MONDO:0015356.

Submissions (3):

Ambry Genetics
Classification: Likely benign for Hereditary cancer-predisposing syndrome. Last evaluated: 2025-10-03. Review status: criteria provided, single submitter. Criteria: Ambry Variant Classification Scheme 2023. Collection method: clinical testing. Allele origin: germline.

Labcorp Genetics (formerly Invitae), Labcorp
Classification: Likely benign for BAP1-related tumor predisposition syndrome. Last evaluated: 2025-09-14. Review status: criteria provided, single submitter. Criteria: Invitae Variant Classification Sherloc (09022015). Collection method: clinical testing. Allele origin: germline.

Myriad Genetics, Inc.
Classification: Benign for BAP1-related tumor predisposition syndrome. Last evaluated: 2024-07-12. Review status: criteria provided, single submitter. Criteria: Myriad Autosomal Dominant, Autosomal Recessive and X-Linked Classification Criteria (2023). Collection method: clinical testing. Allele origin: unknown.
Comment: This variant is considered benign. This variant is a silent/synonymous amino acid change and it is not expected to impact splicing.